The following is an entry in ClinVar:

NM_000037.4(ANK1):c.427-1G>A

Genes: ANK1 (ankyrin 1; minus strand), LOC124153154 (Sharpr-MPRA regulatory region 1462; plus strand). Cytogenetic location: 8p11.21.
Variant type: single nucleotide variant.
Coding change: c.427-1G>A on transcript NM_000037.4 (MANE Select); the canonical splice acceptor site of the intron before coding-DNA position 427, G replaced by A.
Molecular consequence: splice acceptor variant.
Genome position (GRCh38, 1-based): chr8:41,725,947, C>T on the plus strand (G>A on the coding strand, the complement: ANK1 is on the minus strand). VCF-style: chr8-41725947-C-T. GRCh37 (hg19) VCF-style: chr8-41583465-C-T.
Other names: c.526-1G>A (NM_001142446.2); c.427-1G>A (NM_020477.3, NM_020475.3, NM_020476.3).
Identifiers: ClinVar variation 3775326 (VCV003775326.1).

ClinVar aggregate classification (germline): Pathogenic (1 of 4 stars; one submission).

Conditions:
Hereditary spherocytosis type 1. Also called: Spherocytosis type 1; ANK1-Related Spherocytosis. Identifiers: Orphanet 822, MedGen C2674218, MONDO:0008447, OMIM 182900.

Submission:

3billion
Classification: Pathogenic for Hereditary spherocytosis type 1. Last evaluated: 2023-09-22. Review status: criteria provided, single submitter. Criteria: ACMG Guidelines, 2015. Collection method: clinical testing. Allele origin: germline. Affected: yes.
Comment: The variant is not observed in the gnomAD v2.1.1 dataset. Predicted Consequence/Location: Canonical splice site: predicted to alter splicing and result in a loss or disruption of normal protein function. Multiple pathogenic loss-of-function variants are reported downstream of the variant. The variant has been reported to be associated with ANK1 related disorder (PMID: 32436265). Therefore, this variant is classified as Pathogenic according to the recommendation of ACMG/AMP guideline.

Literature cited by the submitters: PubMed 32436265.